The following is an entry in ClinVar:

ClinVar aggregate classification (germline): Uncertain significance. Review status: criteria provided, multiple submitters, no conflicts (2 of 4 stars). 2 submissions from 2 submitters: Uncertain significance (2). Last evaluated 2023-11-27.

Conditions:
Congenital disorder of glycosylation, type Iaa. Also called: Congenital disorder of glycosylation, type 1aa. Identifiers: MedGen C4310727, MONDO:0014904, OMIM 617082.

Allele frequency attached by ClinVar (database versions not stated): gnomAD exomes 0.00001 and below 0.00001; TOPMed 0.00001.
gnomAD v4.1: 6 of 1,612,502 alleles (0.00037%); highest among the groups gnomAD compares: East Asian, 0.0067%; no homozygotes.

Submissions (2):

Labcorp Genetics (formerly Invitae), Labcorp
Classification: Uncertain significance for Congenital disorder of glycosylation, type Iaa. Last evaluated: 2023-11-27. Review status: criteria provided, single submitter. Criteria: Invitae Variant Classification Sherloc (09022015). Collection method: clinical testing. Allele origin: germline.
Comment: This sequence change replaces aspartic acid, which is acidic and polar, with histidine, which is basic and polar, at codon 163 of the NUS1 protein (p.Asp163His). This variant is present in population databases (rs369403261, gnomAD 0.01%). This variant has not been reported in the literature in individuals affected with NUS1-related conditions. ClinVar contains an entry for this variant (Variation ID: 1433043). An algorithm developed to predict the effect of missense changes on protein structure and function (PolyPhen-2) suggests that this variant is likely to be disruptive. In summary, the available evidence is currently insufficient to determine the role of this variant in disease. Therefore, it has been classified as a Variant of Uncertain Significance.

Blueprint Genetics
Classification: Uncertain significance. Last evaluated: 2023-04-20. Review status: criteria provided, single submitter. Criteria: ACMG Guidelines, 2015. Collection method: clinical testing. Allele origin: germline.

NM_138459.5(NUS1):c.487G>C (p.Asp163His)

Gene: NUS1 (NUS1 dehydrodolichyl diphosphate synthase subunit; plus strand). Cytogenetic location: 6q22.1.
Variant type: single nucleotide variant.
Coding change: c.487G>C on transcript NM_138459.5 (MANE Select); coding-DNA position 487, G replaced by C.
Protein change: p.Asp163His; replaces aspartic acid 163 with histidine.
Molecular consequence: missense variant.
Genome position (GRCh38, 1-based): chr6:117,693,113, G>C. VCF-style: chr6-117693113-G-C. GRCh37 (hg19) VCF-style: chr6-118014276-G-C.
Other names: short protein forms D163H.
Identifiers: ClinVar variation 1433043 (VCV001433043.9), dbSNP rs369403261, ClinGen allele CA146433282.